The following is an entry in ClinVar:

NM_000532.5(PCCB):c.415C>T (p.Gln139Ter)

Gene: PCCB (propionyl-CoA carboxylase subunit beta; plus strand). Cytogenetic location: 3q22.3.
Variant type: single nucleotide variant.
Coding change: c.415C>T on transcript NM_000532.5 (MANE Select); coding-DNA position 415, C replaced by T.
Protein change: p.Gln139Ter; replaces glutamine 139 with a stop codon.
Molecular consequence: nonsense.
Genome position (GRCh38, 1-based): chr3:136,260,521, C>T. VCF-style: chr3-136260521-C-T. GRCh37 (hg19) VCF-style: chr3-135979363-C-T.
Other names: c.475C>T, p.Gln159Ter (NM_001178014.2); short protein forms Q139*, Q159*.
Identifiers: ClinVar variation 2677519 (VCV002677519.4), dbSNP rs1191525733, ClinGen allele CA354739373.
Genomic context (GRCh38, chr3:136,260,521, plus strand): 5'-TTTGTATTTTCTTTTTAGGATTTTACAGTTTTTGGAGGCAGTCTGTCAGGAGCACATGCC[C>T]AAAAGATCTGCAAAGTAAGTGTTTAATACTCAAATTCAATCCATTGCTTTCCTCAGTTAC-3'

ClinVar aggregate classification (germline): Pathogenic. Review status: criteria provided, multiple submitters, no conflicts (2 of 4 stars). 2 submissions from 2 submitters: Pathogenic (2). Last evaluated 2023-06-11.

Conditions:
Propionic acidemia (PROP). Also called: GLYCINEMIA, KETOTIC; HYPERGLYCINEMIA WITH KETOACIDOSIS AND LEUKOPENIA; KETOTIC HYPERGLYCINEMIA. Identifiers: Orphanet 35, MedGen C0268579, MONDO:0011628, OMIM 606054, HP:0003571.

gnomAD v4.1: 2 of 1,613,074 alleles (0.00012%); highest among the groups gnomAD compares: Non-Finnish European, 0.00017%; no homozygotes.

Submissions (2):

Baylor Genetics
Classification: Pathogenic for Propionic acidemia. Last evaluated: 2023-06-11. Review status: criteria provided, single submitter. Criteria: ACMG Guidelines, 2015. Collection method: clinical testing. Allele origin: unknown.

Labcorp Genetics (formerly Invitae), Labcorp
Classification: Pathogenic for Propionic acidemia. Last evaluated: 2023-05-01. Review status: criteria provided, single submitter. Criteria: Invitae Variant Classification Sherloc (09022015). Collection method: clinical testing. Allele origin: germline.
Comment: For these reasons, this variant has been classified as Pathogenic. This premature translational stop signal has been observed in individual(s) with propionic acidemia (PMID: 22334403, 23430860). This variant is not present in population databases (gnomAD no frequency). This sequence change creates a premature translational stop signal (p.Gln139*) in the PCCB gene. It is expected to result in an absent or disrupted protein product. Loss-of-function variants in PCCB are known to be pathogenic (PMID: 15464417).

Literature cited by the submitters: PubMed 22334403 (cited by Labcorp Genetics (formerly Invitae), Labcorp); PubMed 23430860 (cited by Labcorp Genetics (formerly Invitae), Labcorp); PubMed 15464417 (cited by Labcorp Genetics (formerly Invitae), Labcorp).